The following is an entry in ClinVar:

NM_003024.3(ITSN1):c.1952+10C>T

Gene: ITSN1 (intersectin 1; plus strand). Cytogenetic location: 21q22.11.
Variant type: single nucleotide variant.
Coding change: c.1952+10C>T on transcript NM_003024.3 (MANE Select); 10 bases into the intron after coding-DNA position 1952, C replaced by T.
Molecular consequence: intron variant.
Genome position (GRCh38, 1-based): chr21:33,794,478, C>T. VCF-style: chr21-33794478-C-T. GRCh37 (hg19) VCF-style: chr21-35166782-C-T.
Other names: c.1952+10C>T (NM_001331010.2, NM_001001132.2, NM_001331008.2 and 2 more transcripts); c.1841+10C>T (NM_001331012.2).
Identifiers: ClinVar variation 3058071 (VCV003058071.2), dbSNP rs201226616, ClinGen allele CA10011706.

ClinVar aggregate classification (germline): Likely benign (0 of 4 stars; one submission).

Conditions:
ITSN1-related disorder. Also called: ITSN1-related condition.

Allele frequency attached by ClinVar (database versions not stated): ExAC 0.00014; TOPMed 0.00020; gnomAD 0.00021; ESP Exome Variant Server 0.00046.
gnomAD v4.1: 632 of 1,607,228 alleles (0.039%); highest among the groups gnomAD compares: Non-Finnish European, 0.051%; 1 homozygote.

Submission:

PreventionGenetics, part of Exact Sciences
Classification: Likely benign for ITSN1-related condition. Last evaluated: 2023-05-15. Review status: no assertion criteria provided. Collection method: clinical testing. Allele origin: germline.
Comment: This variant is classified as likely benign based on ACMG/AMP sequence variant interpretation guidelines (Richards et al. 2015 PMID: 25741868, with internal and published modifications).